The following is an entry in ClinVar:

ClinVar aggregate classification (germline): Uncertain significance (1 of 4 stars; one submission).

Conditions:
Inborn genetic diseases. Identifiers: MedGen C0950123, MeSH D030342.

Allele frequency attached by ClinVar (database versions not stated): gnomAD exomes 0.00001.
gnomAD v4.1: 14 of 1,613,924 alleles (0.00087%); highest among the groups gnomAD compares: Non-Finnish European, 0.0011%; no homozygotes.

Submission:

Ambry Genetics
Classification: Uncertain significance for Inborn genetic diseases. Last evaluated: 2025-04-23. Review status: criteria provided, single submitter. Criteria: Ambry Variant Classification Scheme 2023. Collection method: clinical testing. Allele origin: germline.
Comment: The p.I114T variant (also known as c.341T>C), located in coding exon 3 of the CAV1 gene, results from a T to C substitution at nucleotide position 341. The isoleucine at codon 114 is replaced by threonine, an amino acid with similar properties. This amino acid position is conserved. In addition, this alteration is predicted to be deleterious by in silico analysis. Since supporting evidence is limited at this time, the clinical significance of this alteration remains unclear.

NM_001753.5(CAV1):c.341T>C (p.Ile114Thr)

Gene: CAV1 (caveolin 1; plus strand). Cytogenetic location: 7q31.2.
Variant type: single nucleotide variant.
Coding change: c.341T>C on transcript NM_001753.5 (MANE Select); coding-DNA position 341, T replaced by C.
Protein change: p.Ile114Thr; replaces isoleucine 114 with threonine.
Molecular consequence: missense variant.
Genome position (GRCh38, 1-based): chr7:116,559,091, T>C. VCF-style: chr7-116559091-T-C. GRCh37 (hg19) VCF-style: chr7-116199145-T-C.
Other names: c.248T>C, p.Ile83Thr (NM_001172895.1, NM_001172896.2, NM_001172897.2); short protein forms I114T, I83T.
Identifiers: ClinVar variation 1731253 (VCV001731253.3), dbSNP rs2116116072, ClinGen allele CA369117279.